The following is an entry in ClinVar:

NM_006496.4(GNAI3):c.805A>T (p.Asn269Tyr)

Gene: GNAI3 (G protein subunit alpha i3; plus strand). Cytogenetic location: 1p13.3.
Variant type: single nucleotide variant.
Coding change: c.805A>T on transcript NM_006496.4 (MANE Select); coding-DNA position 805, A replaced by T.
Protein change: p.Asn269Tyr; replaces asparagine 269 with tyrosine.
Molecular consequence: missense variant.
Genome position (GRCh38, 1-based): chr1:109,586,813, A>T. VCF-style: chr1-109586813-A-T. GRCh37 (hg19) VCF-style: chr1-110129435-A-T.
Other names: short protein forms N269Y.
Identifiers: ClinVar variation 3900657 (VCV003900657.1).

ClinVar aggregate classification (germline): Likely pathogenic (1 of 4 stars; one submission).

Conditions:
Auriculocondylar syndrome 1 (ARCND1). Identifiers: Orphanet 137888, MedGen C4551996, MONDO:0011234, OMIM 602483.

Submission:

CGC Genetics, Unilabs
Classification: Likely pathogenic for Auriculocondylar syndrome 1. Last evaluated: 2025-05-12. Review status: criteria provided, single submitter. Criteria: ACMG Guidelines, 2015. Collection method: clinical testing. Allele origin: germline. Inheritance: Autosomal dominant inheritance. Affected: yes. Observed: 1 variant allele.
Comment: The NM_006496.4:c.805A>T p.(Asn269Tyr) variant detected in heterozygosity, in exon 7 (of 9) of the GNAI3 gene (chr.1), has been described in the literature in patients with auriculo-condylar syndrome and its segregation has already been observed in one family (PMID: 25026904, 34789173). This variant is not described in the gnomAD population database. Bioinformatic analysis, which also includes residue conservation data, predicts that this variant has a deleterious effect and functional studies support its pathogenicity (PMID: 27072656). In addition, another missense variant in the same residue (c.807C>A p.(Asn269Lys)) has been described in patients with auriculo-condylar syndrome (PMID: 33723370). With the information currently available, this should be classified as a probably pathogenic variant. ACMG codes: PP3_mod + PM1, PP1_mod, PM2_supp, PS3_supp